The following is an entry in ClinVar:

NM_001042492.3(NF1):c.1672del (p.Ile558fs)

Gene: NF1 (neurofibromin 1; plus strand). Cytogenetic location: 17q11.2.
Variant type: Deletion.
Coding change: c.1672del on transcript NM_001042492.3 (MANE Select); coding-DNA position 1672, one base deleted (A; older notation c.1672delA).
Protein change: p.Ile558fs; shifts the reading frame from isoleucine 558.
Molecular consequence: frameshift variant.
Genome position (GRCh38, 1-based): chr17:31,221,880, A deleted. VCF-style (leftmost placement, unchanged base first): chr17-31221879-CA-C. GRCh37 (hg19) VCF-style: chr17-29548897-CA-C.
Other names: c.1672delA, p.Ile558Leufs (NM_000267.4); c.1672del, p.Ile558fs (NM_001128147.3); c.1672delA (NM_000267.3); short protein forms I558fs.
Identifiers: ClinVar variation 618759 (VCV000618759.8), dbSNP rs1567845057, ClinGen allele CA913190927.

ClinVar aggregate classification (germline): Pathogenic (1 of 4 stars; one submission).

Submission:

ARUP Laboratories, Molecular Genetics and Genomics, ARUP Laboratories
Classification: Pathogenic. Last evaluated: 2018-04-23. Review status: criteria provided, single submitter. Criteria: ARUP Molecular Germline Variant Investigation Process. Collection method: clinical testing. Allele origin: germline.
Comment: The NF1 c.1672delA; p.Ile558fs variant has not been reported in the medical literature but another frameshift variant at this codon (c.1673delT; p.Ile558fs) has been described in individuals affected with neurofibromatosis type 1 (NF1) (Han 2001). This variant is absent from general population databases (1000 Genomes Project, Exome Variant Server, and Genome Aggregation Database), indicating it is not a common polymorphism. This variant causes a frameshift by deleting a single nucleotide, so it is predicted to result in a truncated protein or mRNA subject to nonsense-mediated decay. Additionally, a multitude of downstream frameshift variants have been described in individuals with NF1 and are considered pathogenic (Ars 2003, Han 2001). Based on available information, the c.1672delA variant is considered pathogenic. References: Ars E et al. Recurrent mutations in the NF1 gene are common among neurofibromatosis type 1 patients. J Med Genet. 2003 Jun; 40(6): e82. Han S et al. Evaluation of denaturing high performance liquid chromatography (DHPLC) for the mutational analysis of the neurofibromatosis type 1 (NF1) gene. Hum Genet. 2001 Nov;109(5):487-97.